The following is an entry in ClinVar:

NM_001017995.3(SH3PXD2B):c.2124C>T (p.Arg708=)

Gene: SH3PXD2B (SH3 and PX domains 2B; minus strand). Cytogenetic location: 5q35.1.
Variant type: single nucleotide variant.
Coding change: c.2124C>T on transcript NM_001017995.3 (MANE Select); coding-DNA position 2124, C replaced by T.
Protein change: p.Arg708=; no amino-acid change (arginine 708 retained).
Molecular consequence: synonymous variant. On other transcripts: intron variant (1).
Genome position (GRCh38, 1-based): chr5:172,338,981, G>A on the plus strand (C>T on the coding strand, the complement: SH3PXD2B is on the minus strand). VCF-style: chr5-172338981-G-A. GRCh37 (hg19) VCF-style: chr5-171765985-G-A.
Other names: c.1188+7155C>T (NM_001308175.2).
Identifiers: ClinVar variation 352804 (VCV000352804.16), dbSNP rs370525113, ClinGen allele CA3561038.

ClinVar aggregate classification (germline): Likely benign. Review status: criteria provided, single submitter (1 of 4 stars). 2 submissions from 2 submitters: Likely benign (1). 1 of the submissions does not count toward it. Last evaluated 2025-09-28.

Conditions:
SH3PXD2B-related disorder. Also called: SH3PXD2B-related condition.

Allele frequency attached by ClinVar (database versions not stated): TOPMed 0.00002; gnomAD exomes 0.00003 and 0.00004; ExAC 0.00005; ESP Exome Variant Server 0.00015.
gnomAD v4.1: 47 of 1,613,932 alleles (0.0029%); highest among the groups gnomAD compares: Admixed American, 0.01%; no homozygotes.

Submissions (2):

Labcorp Genetics (formerly Invitae), Labcorp
Classification: Likely benign. Last evaluated: 2025-09-28. Review status: criteria provided, single submitter. Criteria: Invitae Variant Classification Sherloc (09022015). Collection method: clinical testing. Allele origin: germline.

PreventionGenetics, part of Exact Sciences
Classification: Likely benign for SH3PXD2B-related condition. Last evaluated: 2019-11-16. Review status: no assertion criteria provided. Collection method: clinical testing. Allele origin: germline. Not counted in ClinVar's aggregate classification.
Comment: This variant is classified as likely benign based on ACMG/AMP sequence variant interpretation guidelines (Richards et al. 2015 PMID: 25741868, with internal and published modifications).